The following is an entry in ClinVar:

NM_001698.3(AUH):c.107T>C (p.Leu36Pro)

Genes: AUH (AU RNA binding methylglutaconyl-CoA hydratase; minus strand), LOC130002059 (ATAC-STARR-seq lymphoblastoid silent region 20025; plus strand). Cytogenetic location: 9q22.31.
Variant type: single nucleotide variant.
Coding change: c.107T>C on transcript NM_001698.3 (MANE Select); coding-DNA position 107, T replaced by C.
Protein change: p.Leu36Pro; replaces leucine 36 with proline.
Molecular consequence: missense variant. On other transcripts: 5 prime UTR variant (3).
Genome position (GRCh38, 1-based): chr9:91,361,783, A>G on the plus strand (T>C on the coding strand, the complement: AUH is on the minus strand). VCF-style: chr9-91361783-A-G. GRCh37 (hg19) VCF-style: chr9-94124065-A-G.
Other names: c.107T>C, p.Leu36Pro (NM_001306190.2); c.-291T>C (NM_001351431.2, NM_001351433.2); c.-383T>C (NM_001351432.2); short protein forms L36P.
Identifiers: ClinVar variation 2085938 (VCV002085938.4), dbSNP rs1254365778, ClinGen allele CA373836612.

ClinVar aggregate classification (germline): Uncertain significance (1 of 4 stars; one submission).

Conditions:
3-methylglutaconic aciduria type 1 (MGCA1). Identifiers: Orphanet 67046, MedGen C0342727, MONDO:0009610, OMIM 250950.

Allele frequency attached by ClinVar (database versions not stated): gnomAD exomes below 0.00001; gnomAD 0.00001.
gnomAD v4.1: 5 of 1,543,646 alleles (0.00032%); highest among the groups gnomAD compares: Non-Finnish European, 0.00035%; no homozygotes.

Submission:

Labcorp Genetics (formerly Invitae), Labcorp
Classification: Uncertain significance for 3-methylglutaconic aciduria type 1. Last evaluated: 2024-02-19. Review status: criteria provided, single submitter. Criteria: Invitae Variant Classification Sherloc (09022015). Collection method: clinical testing. Allele origin: germline.
Comment: This sequence change replaces leucine, which is neutral and non-polar, with proline, which is neutral and non-polar, at codon 36 of the AUH protein (p.Leu36Pro). This variant is present in population databases (no rsID available, gnomAD 0.002%). This variant has not been reported in the literature in individuals affected with AUH-related conditions. ClinVar contains an entry for this variant (Variation ID: 2085938). An algorithm developed to predict the effect of missense changes on protein structure and function (PolyPhen-2) suggests that this variant is likely to be tolerated. In summary, the available evidence is currently insufficient to determine the role of this variant in disease. Therefore, it has been classified as a Variant of Uncertain Significance.